The following is an entry in ClinVar:

NM_004463.3(FGD1):c.2635G>A (p.Glu879Lys)

Genes: FGD1 (FYVE, RhoGEF and PH domain containing 1; minus strand), TSR2 (TSR2 ribosome maturation factor; plus strand). Cytogenetic location: Xp11.22.
Variant type: single nucleotide variant.
Coding change: c.2635G>A on transcript NM_004463.3 (MANE Select); coding-DNA position 2635, G replaced by A.
Protein change: p.Glu879Lys; replaces glutamic acid 879 with lysine.
Molecular consequence: missense variant. On other transcripts: 3 prime UTR variant (5).
Genome position (GRCh38, 1-based): chrX:54,446,360, C>T on the plus strand (G>A on the coding strand, the complement: FGD1 is on the minus strand). VCF-style: chrX-54446360-C-T. GRCh37 (hg19) VCF-style: chrX-54472793-C-T.
Other names: c.*1810C>T (NM_001346789.2, NM_001346790.2, NM_001346791.2 and 2 more transcripts); short protein forms E879K.
Identifiers: ClinVar variation 3697666 (VCV003697666.2).

ClinVar aggregate classification (germline): Uncertain significance (1 of 4 stars; one submission).

Submission:

Labcorp Genetics (formerly Invitae), Labcorp
Classification: Uncertain significance. Last evaluated: 2025-07-21. Review status: criteria provided, single submitter. Criteria: Invitae Variant Classification Sherloc (09022015). Collection method: clinical testing. Allele origin: germline.
Comment: This sequence change replaces glutamic acid, which is acidic and polar, with lysine, which is basic and polar, at codon 879 of the FGD1 protein (p.Glu879Lys). This variant is not present in population databases (gnomAD no frequency). This variant has not been reported in the literature in individuals affected with FGD1-related conditions. ClinVar contains an entry for this variant (Variation ID: 3697666). Invitae Evidence Modeling of protein sequence and biophysical properties (such as structural, functional, and spatial information, amino acid conservation, physicochemical variation, residue mobility, and thermodynamic stability) indicates that this missense variant is not expected to disrupt FGD1 protein function with a negative predictive value of 95%. In summary, the available evidence is currently insufficient to determine the role of this variant in disease. Therefore, it has been classified as a Variant of Uncertain Significance.